The following is an entry in ClinVar:

ClinVar aggregate classification (germline): Uncertain significance. Review status: criteria provided, multiple submitters, no conflicts (2 of 4 stars). 2 submissions from 2 submitters: Uncertain significance (2). Last evaluated 2024-03-07.

Conditions:
Inborn genetic diseases. Identifiers: MedGen C0950123, MeSH D030342.
Mitochondrial hypertrophic cardiomyopathy with lactic acidosis due to MTO1 deficiency. Also called: CARDIOMYOPATHY, INFANTILE HYPERTROPHIC MITOCHONDRIAL, AND LACTIC ACIDOSIS; Combined oxidative phosphorylation deficiency 10. Identifiers: Orphanet 314637, MedGen C4749921, MONDO:0013865, OMIM 614702.

Allele frequency attached by ClinVar (database versions not stated): gnomAD exomes 0.00001 and 0.00002; ExAC 0.00002; gnomAD 0.00004; TOPMed 0.00005; ESP Exome Variant Server 0.00008.
gnomAD v4.1: 14 of 1,614,076 alleles (0.00087%); highest among the groups gnomAD compares: African/African-American, 0.019%; no homozygotes.

Submissions (2):

Ambry Genetics
Classification: Uncertain significance for Inborn genetic diseases. Last evaluated: 2024-03-07. Review status: criteria provided, single submitter. Criteria: Ambry Variant Classification Scheme 2023. Collection method: clinical testing. Allele origin: germline.

Labcorp Genetics (formerly Invitae), Labcorp
Classification: Uncertain significance for Mitochondrial hypertrophic cardiomyopathy with lactic acidosis due to MTO1 deficiency. Last evaluated: 2022-07-19. Review status: criteria provided, single submitter. Criteria: Invitae Variant Classification Sherloc (09022015). Collection method: clinical testing. Allele origin: germline.
Comment: This sequence change replaces leucine, which is neutral and non-polar, with proline, which is neutral and non-polar, at codon 353 of the MTO1 protein (p.Leu353Pro). This variant is present in population databases (rs373065217, gnomAD 0.02%). This variant has not been reported in the literature in individuals affected with MTO1-related conditions. ClinVar contains an entry for this variant (Variation ID: 1403718). Algorithms developed to predict the effect of missense changes on protein structure and function are either unavailable or do not agree on the potential impact of this missense change (SIFT: "Deleterious"; PolyPhen-2: "Probably Damaging"; Align-GVGD: "Class C0"). In summary, the available evidence is currently insufficient to determine the role of this variant in disease. Therefore, it has been classified as a Variant of Uncertain Significance.

NM_012123.4(MTO1):c.1058T>C (p.Leu353Pro)

Gene: MTO1 (mitochondrial tRNA translation optimization 1; plus strand). Cytogenetic location: 6q13.
Variant type: single nucleotide variant.
Coding change: c.1058T>C on transcript NM_012123.4 (MANE Select); coding-DNA position 1058, T replaced by C.
Protein change: p.Leu353Pro; replaces leucine 353 with proline.
Molecular consequence: missense variant.
Genome position (GRCh38, 1-based): chr6:73,480,055, T>C. VCF-style: chr6-73480055-T-C. GRCh37 (hg19) VCF-style: chr6-74189778-T-C.
Other names: c.1058T>C, p.Leu353Pro (NM_001123226.2, NM_133645.3); c.1058T>C (NM_001123226.1); short protein forms L353P.
Identifiers: ClinVar variation 1403718 (VCV001403718.4), dbSNP rs373065217, ClinGen allele CA3889512.